The following is an entry in ClinVar:

NM_001004334.4(GPR179):c.4979C>T (p.Ser1660Phe)

Gene: GPR179 (G protein-coupled receptor 179; minus strand). Cytogenetic location: 17q12.
Variant type: single nucleotide variant.
Coding change: c.4979C>T on transcript NM_001004334.4 (MANE Select); coding-DNA position 4979, C replaced by T.
Protein change: p.Ser1660Phe; replaces serine 1660 with phenylalanine.
Molecular consequence: missense variant.
Genome position (GRCh38, 1-based): chr17:38,328,590, G>A on the plus strand (C>T on the coding strand, the complement: GPR179 is on the minus strand). VCF-style: chr17-38328590-G-A. GRCh37 (hg19) VCF-style: chr17-36484473-G-A.
Other names: short protein forms S1660F.
Identifiers: ClinVar variation 1929893 (VCV001929893.6), dbSNP rs749770941, ClinGen allele CA290103815.

ClinVar aggregate classification (germline): Uncertain significance. Review status: criteria provided, multiple submitters, no conflicts (2 of 4 stars). 2 submissions from 2 submitters: Uncertain significance (2). Last evaluated 2023-11-16.

Conditions:
Inborn genetic diseases. Identifiers: MedGen C0950123, MeSH D030342.

Allele frequency attached by ClinVar (database versions not stated): ExAC 0.00002; gnomAD 0.00002; TOPMed 0.00003.
gnomAD v4.1: 15 of 1,614,154 alleles (0.00093%); highest among the groups gnomAD compares: Admixed American, 0.025%; no homozygotes.

Submissions (2):

Labcorp Genetics (formerly Invitae), Labcorp
Classification: Uncertain significance. Last evaluated: 2023-11-16. Review status: criteria provided, single submitter. Criteria: Invitae Variant Classification Sherloc (09022015). Collection method: clinical testing. Allele origin: germline.
Comment: This sequence change replaces serine, which is neutral and polar, with phenylalanine, which is neutral and non-polar, at codon 1660 of the GPR179 protein (p.Ser1660Phe). This variant is present in population databases (rs749770941, gnomAD 0.03%). This variant has not been reported in the literature in individuals affected with GPR179-related conditions. ClinVar contains an entry for this variant (Variation ID: 1929893). An algorithm developed to predict the effect of missense changes on protein structure and function (PolyPhen-2) suggests that this variant is likely to be disruptive. In summary, the available evidence is currently insufficient to determine the role of this variant in disease. Therefore, it has been classified as a Variant of Uncertain Significance.

Ambry Genetics
Classification: Uncertain significance for Inborn genetic diseases. Last evaluated: 2022-10-12. Review status: criteria provided, single submitter. Criteria: Ambry Variant Classification Scheme 2023. Collection method: clinical testing. Allele origin: germline.